The following is an entry in ClinVar:

ClinVar aggregate classification (germline): Benign/Likely benign. Review status: criteria provided, multiple submitters, no conflicts (2 of 4 stars). 4 submissions from 4 submitters: Benign (2); Likely benign (2). Last evaluated 2026-07-01.

Conditions:
Arthrogryposis, renal dysfunction, and cholestasis 1 (ARCS1). Identifiers: Orphanet 2697, MedGen C1859722, MONDO:0008822, OMIM 208085.

Allele frequency attached by ClinVar (database versions not stated): 1000 Genomes Project 30x 0.00078; 1000 Genomes Project 0.00100; TOPMed 0.00140; ESP Exome Variant Server 0.00185; gnomAD 0.00318 and 0.00337; gnomAD exomes 0.00354 and 0.00402; ExAC 0.00380.
gnomAD v4.1: 5,582 of 1,614,118 alleles (0.35%); highest among the groups gnomAD compares: Non-Finnish European, 0.32%; 29 homozygotes.

Submissions (4):

CeGaT Center for Human Genetics Tuebingen
Classification: Likely benign. Last evaluated: 2026-07-01. Review status: criteria provided, single submitter. Criteria: CeGaT Center For Human Genetics Tuebingen Variant Classification Criteria Version 2. Collection method: clinical testing. Allele origin: germline. Affected: yes. Observed: 5 variant alleles.
Comment: VPS33B: BP4, BP7

Labcorp Genetics (formerly Invitae), Labcorp
Classification: Benign. Last evaluated: 2026-02-03. Review status: criteria provided, single submitter. Criteria: Invitae Variant Classification Sherloc (09022015). Collection method: clinical testing. Allele origin: germline.

Mayo Clinic Laboratories, Mayo Clinic
Classification: Benign. Last evaluated: 2024-07-08. Review status: criteria provided, single submitter. Criteria: ACMG Guidelines, 2015. Collection method: clinical testing. Allele origin: germline. Observed: 3 variant alleles.
Comment: BS1, BS2, BP4, BP7

Illumina Laboratory Services, Illumina
Classification: Likely benign for Arthrogryposis, renal dysfunction, and cholestasis 1. Last evaluated: 2018-01-13. Review status: criteria provided, single submitter. Criteria: ICSL Variant Classification Criteria 13 December 2019. Collection method: clinical testing. Allele origin: germline.
Comment: This variant was observed in the ICSL laboratory as part of a predisposition screen in an ostensibly healthy population. It had not been previously curated by ICSL or reported in the Human Gene Mutation Database (HGMD: prior to June 1st, 2018), and was therefore a candidate for classification through an automated scoring system. Utilizing variant allele frequency, disease prevalence and penetrance estimates, and inheritance mode, an automated score was calculated to assess if this variant is too frequent to cause the disease. Based on the score and internal cut-off values, a variant classified as likely benign is not then subjected to further curation. The score for this variant resulted in a classification of likely benign for this disease.

NM_018668.5(VPS33B):c.363T>C (p.Tyr121=)

Gene: VPS33B (VPS33B late endosome and lysosome associated; minus strand). Cytogenetic location: 15q26.1.
Variant type: single nucleotide variant.
Coding change: c.363T>C on transcript NM_018668.5 (MANE Select); coding-DNA position 363, T replaced by C.
Protein change: p.Tyr121=; no amino-acid change (tyrosine 121 retained).
Molecular consequence: synonymous variant.
Genome position (GRCh38, 1-based): chr15:91,009,841, A>G on the plus strand (T>C on the coding strand, the complement: VPS33B is on the minus strand). VCF-style: chr15-91009841-A-G. GRCh37 (hg19) VCF-style: chr15-91553071-A-G.
Other names: p.Tyr121=; c.282T>C, p.Tyr94= (NM_001289148.1); c.90T>C, p.Tyr30= (NM_001289149.1).
Identifiers: ClinVar variation 317429 (VCV000317429.56), dbSNP rs149733667, ClinGen allele CA7745094.
Genomic context (GRCh38, chr15:91,009,841, plus strand): 5'-TCACATTCATCTCCTCTCACCTCCATAGATTCCCTCTTCCTCAAGCACCATCTCACACGC[A>G]TAGAACTGAAAGAGAAAAGGAAATTGATTAGTAACTACCTTCTTCTCTGTTCTCTCCATT-3'
Protein context (NP_061138.3, residues 111-131): YKVIFSPQKF[Tyr121=]ACEMVLEEEG